The following is an entry in ClinVar:

ClinVar aggregate classification (germline): Likely pathogenic. Review status: criteria provided, single submitter (1 of 4 stars). 2 submissions from 2 submitters: Likely pathogenic (1). 1 of the submissions does not count toward it. Last evaluated 2026-09-01.

Conditions:
F8-related disorder. Also called: F8-related condition.
Hereditary factor VIII deficiency disease (HEMA). Also called: AUTOSOMAL HEMOPHILIA A; Hemophilia A, congenital; HEM A; Factor 8 deficiency, congenital; Hemophilia A; HEMOPHILIA, CLASSIC. Identifiers: Orphanet 98878, MedGen C0019069, MONDO:0010602, OMIM 306700.

Submissions (2):

PreventionGenetics, part of Exact Sciences
Classification: Likely pathogenic for F8-related condition. Last evaluated: 2026-09-01. Review status: criteria provided, single submitter. Criteria: ACMG Guidelines, 2015. Collection method: clinical testing. Allele origin: germline.
Comment: The F8 c.5593G>T variant is predicted to result in the amino acid substitution p.Asp1865Tyr. This variant, alternatively referred to as p.Asp1846Tyr using legacy nomenclature, has been reported in at least two individuals with hemophilia A (Antonarakis et al. 1995. PubMed ID: 7728145; Becker et al. 1996. PubMed ID: 8644728; Grigore et al. 2024. PubMed ID: 39125936). This variant has not been reported in a large population database (gnomAD), indicating it is rare. Alternate missense substitutions affecting the same amino acid position (p.Asp1865Gly, p.Asp1865His, and p.Asp1865Asn) have been reported in individuals with hemophilia A (Casaña et al. 2008. PubMed ID: 18403393; Table S1, Kang et al. 2020. PubMed ID: 32897612; Table S3, Lu et al. 2018. PubMed ID: 29381227; Shi et al. 2024. PubMed ID: 39260745). Taken together, the c.5593G>T (p.Asp1865Tyr) variant is interpreted as likely pathogenic.

OMIM
Classification: Pathogenic for HEMOPHILIA A. Last evaluated: 1995-01-01. Review status: no assertion criteria provided. Collection method: literature only. Allele origin: germline. Not counted in ClinVar's aggregate classification.

Literature cited by the submitters: PubMed 7728145 (cited by OMIM).

NM_000132.4(F8):c.5593G>T (p.Asp1865Tyr)

Gene: F8 (coagulation factor VIII; minus strand). Cytogenetic location: Xq28.
Variant type: single nucleotide variant.
Coding change: c.5593G>T on transcript NM_000132.4 (MANE Select); coding-DNA position 5593, G replaced by T.
Protein change: p.Asp1865Tyr; replaces aspartic acid 1865 with tyrosine.
Molecular consequence: missense variant.
Genome position (GRCh38, 1-based): chrX:154,904,518, C>A on the plus strand (G>T on the coding strand, the complement: F8 is on the minus strand). VCF-style: chrX-154904518-C-A. GRCh37 (hg19) VCF-style: chrX-154132793-C-A.
Other names: F8, ASP1846TYR; D1846Y; c.5593G>T (NM_000132.3); short protein forms D1865Y.
Identifiers: ClinVar variation 10287 (VCV000010287.2), dbSNP rs28933678, ClinGen allele CA255176.